The following is an entry in ClinVar:

NM_001111.5(ADAR):c.1602-116_1602-114dup

Gene: ADAR (adenosine deaminase RNA specific; minus strand). Cytogenetic location: 1q21.3.
Variant type: Duplication.
Coding change: c.1602-116_1602-114dup on transcript NM_001111.5 (MANE Select); 116 bases into the intron before coding-DNA position 1602 through 114 bases into the intron before coding-DNA position 1602, 3 bases duplicated (TCC; older notation c.1602-116_1602-114dupTCC).
Molecular consequence: intron variant.
Genome position (GRCh38, 1-based): chr1:154,598,699-154,598,701, GGA duplicated on the plus strand (TCC on the coding strand, the reverse complement: ADAR is on the minus strand); duplicating any 3 consecutive bases within chr1:154,598,699-154,598,702 gives the same sequence; the c. name uses the placement nearest the transcript's 3' end. VCF-style (leftmost placement, unchanged base first): chr1-154598698-T-TGGA. GRCh37 (hg19) VCF-style: chr1-154571174-T-TGGA.
Other names: c.717-116_717-114dup (NM_001365046.1, NM_001025107.3, NM_001365048.1 and 3 more transcripts); c.1629-116_1629-114dup (NM_001365045.1); c.1602-116_1602-114dup (NM_015841.4, NM_015840.4).
Identifiers: ClinVar variation 1264418 (VCV001264418.4), dbSNP rs4045821, ClinGen allele CA30862206.

ClinVar aggregate classification (germline): Benign. Review status: criteria provided, multiple submitters, no conflicts (2 of 4 stars). 2 submissions from 2 submitters: Benign (2). Last evaluated 2023-11-12.

Submissions (2):

Unidad de Genómica Garrahan, Hospital de Pediatría Garrahan
Classification: Benign. Last evaluated: 2023-11-12. Review status: criteria provided, single submitter. Criteria: ACMG Guidelines, 2015. Collection method: clinical testing. Allele origin: germline. Affected: no. Observed: 86 variant alleles.
Comment: This variant is classified as Benign based on local population frequency. This variant was detected in 90% of patients studied by a panel of primary immunodeficiencies. Number of patients: 86. Only high quality variants are reported.

GeneDx
Classification: Benign. Last evaluated: 2018-07-05. Review status: criteria provided, single submitter. Criteria: GeneDx Variant Classification Process June 2021. Collection method: clinical testing. Allele origin: germline. Affected: yes.